The following is an entry in ClinVar:

NM_003006.4(SELPLG):c.324C>T (p.Asn108=)

Gene: SELPLG (selectin P ligand; minus strand). Cytogenetic location: 12q24.11.
Variant type: single nucleotide variant.
Coding change: c.324C>T on transcript NM_003006.4 (MANE Select); coding-DNA position 324, C replaced by T.
Protein change: p.Asn108=; no amino-acid change (asparagine 108 retained).
Molecular consequence: synonymous variant.
Genome position (GRCh38, 1-based): chr12:108,623,984, G>A on the plus strand (C>T on the coding strand, the complement: SELPLG is on the minus strand). VCF-style: chr12-108623984-G-A. GRCh37 (hg19) VCF-style: chr12-109017760-G-A.
Other names: c.372C>T, p.Asn124= (NM_001206609.2).
Identifiers: ClinVar variation 3035787 (VCV003035787.2), dbSNP rs184663566, ClinGen allele CA6769366.

ClinVar aggregate classification (germline): Likely benign (0 of 4 stars; one submission).

Conditions:
SELPLG-related disorder. Also called: SELPLG-related condition.

Allele frequency attached by ClinVar (database versions not stated): gnomAD 0.00006; TOPMed 0.00006; gnomAD exomes 0.00008; ExAC 0.00012; 1000 Genomes Project 30x 0.00016; 1000 Genomes Project 0.00020.
gnomAD v4.1: 140 of 1,614,230 alleles (0.0087%); highest among the groups gnomAD compares: Non-Finnish European, 0.0057%; 2 homozygotes.

Submission:

PreventionGenetics, part of Exact Sciences
Classification: Likely benign for SELPLG-related condition. Last evaluated: 2019-07-31. Review status: no assertion criteria provided. Collection method: clinical testing. Allele origin: germline.
Comment: This variant is classified as likely benign based on ACMG/AMP sequence variant interpretation guidelines (Richards et al. 2015 PMID: 25741868, with internal and published modifications).